The following is an entry in ClinVar:

NM_001256545.2(MEGF10):c.*534A>G

Gene: MEGF10 (multiple EGF like domains 10; plus strand). Cytogenetic location: 5q23.2.
Variant type: single nucleotide variant.
Coding change: c.*534A>G on transcript NM_001256545.2 (MANE Select); 534 bases downstream of the stop codon, A replaced by G.
Molecular consequence: 3 prime UTR variant.
Genome position (GRCh38, 1-based): chr5:127,457,852, A>G. VCF-style: chr5-127457852-A-G. GRCh37 (hg19) VCF-style: chr5-126793544-A-G.
Other names: c.*534A>G (NM_032446.3).
Identifiers: ClinVar variation 907607 (VCV000907607.5), dbSNP rs75370992, ClinGen allele CA126954664.

ClinVar aggregate classification (germline): Likely benign. Review status: criteria provided, multiple submitters, no conflicts (2 of 4 stars). 2 submissions from 2 submitters: Likely benign (2). Last evaluated 2018-01-13.

Conditions:
MEGF10-related myopathy (CMYO10A). Also called: Congenital myopathy 10A, severe variant. Identifiers: Orphanet 439212, MedGen C3280679, MONDO:0013731, OMIM 614399.

Allele frequency attached by ClinVar (database versions not stated): TOPMed 0.01528; gnomAD 0.01632 and 0.01871; gnomAD exomes 0.02093; 1000 Genomes Project 30x 0.03264; 1000 Genomes Project 0.03415.
gnomAD v4.1: 2,862 of 152,774 alleles (1.9%); highest among the groups gnomAD compares: Middle Eastern, 8.4%; 54 homozygotes.

Submissions (2):

Illumina Laboratory Services, Illumina
Classification: Likely benign for MEGF10-related myopathy. Last evaluated: 2018-01-13. Review status: criteria provided, single submitter. Criteria: ICSL Variant Classification Criteria 13 December 2019. Collection method: clinical testing. Allele origin: germline.
Comment: This variant was observed in the ICSL laboratory as part of a predisposition screen in an ostensibly healthy population. It had not been previously curated by ICSL or reported in the Human Gene Mutation Database (HGMD: prior to June 1st, 2018), and was therefore a candidate for classification through an automated scoring system. Utilizing variant allele frequency, disease prevalence and penetrance estimates, and inheritance mode, an automated score was calculated to assess if this variant is too frequent to cause the disease. Based on the score and internal cut-off values, a variant classified as likely benign is not then subjected to further curation. The score for this variant resulted in a classification of likely benign for this disease.

Breakthrough Genomics
Classification: Likely benign. Review status: criteria provided, single submitter. Criteria: ACMG Guidelines, 2015. Collection method: not provided. Allele origin: germline. Inheritance: Autosomal recessive inheritance. Affected: yes.